The following is an entry in ClinVar:

ClinVar aggregate classification (germline): Pathogenic (1 of 4 stars; one submission).

Conditions:
Aicardi-Goutieres syndrome 5. Identifiers: Orphanet 51, MedGen C2749659, MONDO:0013059, OMIM 612952.

Submission:

Labcorp Genetics (formerly Invitae), Labcorp
Classification: Pathogenic for Aicardi-Goutieres syndrome 5. Last evaluated: 2022-06-04. Review status: criteria provided, single submitter. Criteria: Invitae Variant Classification Sherloc (09022015). Collection method: clinical testing. Allele origin: germline.
Comment: This sequence change creates a premature translational stop signal (p.Arg470Glyfs*20) in the SAMHD1 gene. It is expected to result in an absent or disrupted protein product. Loss-of-function variants in SAMHD1 are known to be pathogenic (PMID: 19525956, 22461318). This variant is not present in population databases (gnomAD no frequency). This variant has not been reported in the literature in individuals affected with SAMHD1-related conditions. ClinVar contains an entry for this variant (Variation ID: 581566). For these reasons, this variant has been classified as Pathogenic.

Literature cited by the submitters: PubMed 19525956; PubMed 22461318.

NM_015474.4(SAMHD1):c.1408del (p.Arg470fs)

Gene: SAMHD1 (SAM and HD domain containing deoxynucleoside triphosphate triphosphohydrolase 1; minus strand). Cytogenetic location: 20q11.23.
Variant type: Deletion.
Coding change: c.1408del on transcript NM_015474.4 (MANE Select); coding-DNA position 1408, one base deleted (A; older notation c.1408delA).
Protein change: p.Arg470fs; shifts the reading frame from arginine 470.
Molecular consequence: frameshift variant.
Genome position (GRCh38, 1-based): chr20:36,905,366, T deleted on the plus strand (A on the coding strand, the reverse complement: SAMHD1 is on the minus strand); the first of 4 consecutive T bases (chr20:36,905,366-36,905,369); deleting any one gives the same sequence. VCF-style (leftmost placement, unchanged base first): chr20-36905365-CT-C. GRCh37 (hg19) VCF-style: chr20-35533768-CT-C.
Other names: c.1408del, p.Arg470fs (NM_001363729.2, NM_001363733.2); c.1408delA (NM_015474.3); short protein forms R470fs.
Identifiers: ClinVar variation 581566 (VCV000581566.6), dbSNP rs1568762986, ClinGen allele CA891844152.